The following is an entry in ClinVar:

NM_003235.5(TG):c.1821C>T (p.Thr607=)

Gene: TG (thyroglobulin; plus strand). Cytogenetic location: 8q24.22.
Variant type: single nucleotide variant.
Coding change: c.1821C>T on transcript NM_003235.5 (MANE Select); coding-DNA position 1821, C replaced by T.
Protein change: p.Thr607=; no amino-acid change (threonine 607 retained).
Molecular consequence: synonymous variant.
Genome position (GRCh38, 1-based): chr8:132,887,193, C>T. VCF-style: chr8-132887193-C-T. GRCh37 (hg19) VCF-style: chr8-133899438-C-T.
Identifiers: ClinVar variation 792111 (VCV000792111.12), dbSNP rs61742713, ClinGen allele CA4883244.
Genomic context (GRCh38, chr8:132,887,193, plus strand): 5'-GCCAGAAGATGTGGCAAGAGATTTAGGTGATGTGATGGAAACGGTACTCAGCTCCCAGAC[C>T]TGTGAGCAGACACCTGAAAGGCTATTTGTCCCATCATGCACGACAGAAGGAAGCTATGAG-3'
Protein context (NP_003226.4, residues 597-617): DVMETVLSSQ[Thr607=]CEQTPERLFV

ClinVar aggregate classification (germline): Benign/Likely benign. Review status: criteria provided, multiple submitters, no conflicts (2 of 4 stars). 3 submissions from 3 submitters: Benign (1); Likely benign (2). Last evaluated 2026-01-31.

Conditions:
Iodotyrosyl coupling defect (TDH3). Also called: HYPOTHYROIDISM, CONGENITAL, DUE TO DYSHORMONOGENESIS, 3; THYROID HORMONOGENESIS, GENETIC DEFECT IN, 3. Identifiers: Orphanet 95716, MedGen C0342194, MONDO:0010135, OMIM 274700.

Allele frequency attached by ClinVar (database versions not stated): gnomAD exomes 0.00171 and 0.00478; ExAC 0.00613; gnomAD 0.01888 and 0.02018; TOPMed 0.02085; 1000 Genomes Project 0.02157; ESP Exome Variant Server 0.02245; 1000 Genomes Project 30x 0.02264.
gnomAD v4.1: 5,485 of 1,613,310 alleles (0.34%); highest among the groups gnomAD compares: African/African-American, 6.5%; 169 homozygotes.

Submissions (3):

Labcorp Genetics (formerly Invitae), Labcorp
Classification: Benign. Last evaluated: 2026-01-31. Review status: criteria provided, single submitter. Criteria: Invitae Variant Classification Sherloc (09022015). Collection method: clinical testing. Allele origin: germline.

Illumina Laboratory Services, Illumina
Classification: Likely benign for Iodotyrosyl coupling defect. Last evaluated: 2018-01-13. Review status: criteria provided, single submitter. Criteria: ICSL Variant Classification Criteria 13 December 2019. Collection method: clinical testing. Allele origin: germline.
Comment: This variant was observed in the ICSL laboratory as part of a predisposition screen in an ostensibly healthy population. It had not been previously curated by ICSL or reported in the Human Gene Mutation Database (HGMD: prior to June 1st, 2018), and was therefore a candidate for classification through an automated scoring system. Utilizing variant allele frequency, disease prevalence and penetrance estimates, and inheritance mode, an automated score was calculated to assess if this variant is too frequent to cause the disease. Based on the score and internal cut-off values, a variant classified as likely benign is not then subjected to further curation. The score for this variant resulted in a classification of likely benign for this disease.

Breakthrough Genomics
Classification: Likely benign. Review status: criteria provided, single submitter. Criteria: ACMG Guidelines, 2015. Collection method: not provided. Allele origin: germline. Inheritance: Autosomal recessive inheritance. Affected: yes.